The following is an entry in ClinVar:

NM_014384.3(ACAD8):c.1129G>A (p.Gly377Ser)

Gene: ACAD8 (acyl-CoA dehydrogenase family member 8; plus strand). Cytogenetic location: 11q25.
Variant type: single nucleotide variant.
Coding change: c.1129G>A on transcript NM_014384.3 (MANE Select); coding-DNA position 1129, G replaced by A.
Protein change: p.Gly377Ser; replaces glycine 377 with serine.
Molecular consequence: missense variant.
Genome position (GRCh38, 1-based): chr11:134,262,556, G>A. VCF-style: chr11-134262556-G-A. GRCh37 (hg19) VCF-style: chr11-134132450-G-A.
Other names: G355S.
Identifiers: ClinVar variation 5356 (VCV000005356.58), dbSNP rs121908419, ClinGen allele CA117435.

ClinVar aggregate classification (germline): Pathogenic/Likely pathogenic. Review status: criteria provided, multiple submitters, no conflicts (2 of 4 stars). 7 submissions from 7 submitters: Pathogenic (4); Likely pathogenic (2). 1 of the submissions does not count toward it. Last evaluated 2025-12-24.

Conditions:
Deficiency of isobutyryl-CoA dehydrogenase. Also called: IBD DEFICIENCY; ACAD8 DEFICIENCY; ACYL-CoA DEHYDROGENASE FAMILY, MEMBER 8, DEFICIENCY OF. Identifiers: Orphanet 79159, MedGen C1969809, MONDO:0012648, OMIM 611283.

Allele frequency attached by ClinVar (database versions not stated): gnomAD exomes 0.00006 and 0.00014; TOPMed 0.00012; ExAC 0.00009; gnomAD 0.00013 and 0.00016.
gnomAD v4.1: 216 of 1,613,928 alleles (0.013%); highest among the groups gnomAD compares: Non-Finnish European, 0.017%; no homozygotes.

Submissions (7):

Labcorp Genetics (formerly Invitae), Labcorp
Classification: Pathogenic for Deficiency of isobutyryl-CoA dehydrogenase. Last evaluated: 2025-12-24. Review status: criteria provided, single submitter. Criteria: Invitae Variant Classification Sherloc (09022015). Collection method: clinical testing. Allele origin: germline.
Comment: This sequence change replaces glycine, which is neutral and non-polar, with serine, which is neutral and polar, at codon 377 of the ACAD8 protein (p.Gly377Ser). This variant is present in population databases (rs121908419, gnomAD 0.02%). This missense change has been observed in individuals with ACAD8-related conditions (PMID: 17304052, 25689098; internal data). This variant is also known as p.G355S. ClinVar contains an entry for this variant (Variation ID: 5356). Invitae Evidence Modeling of protein sequence and biophysical properties (such as structural, functional, and spatial information, amino acid conservation, physicochemical variation, residue mobility, and thermodynamic stability) indicates that this missense variant is expected to disrupt ACAD8 protein function with a positive predictive value of 95%. For these reasons, this variant has been classified as Pathogenic.

Revvity Omics, Revvity
Classification: Likely pathogenic for Deficiency of isobutyryl-CoA dehydrogenase. Last evaluated: 2025-04-18. Review status: criteria provided, single submitter. Criteria: ACMG Guidelines, 2015. Collection method: clinical testing. Allele origin: germline.

Baylor Genetics
Classification: Pathogenic for Deficiency of isobutyryl-CoA dehydrogenase. Last evaluated: 2019-02-04. Review status: criteria provided, single submitter. Criteria: ACMG Guidelines, 2015. Collection method: clinical testing. Allele origin: unknown. Affected: yes.
Comment: This variant was determined to be pathogenic according to ACMG Guidelines, 2015 [PMID:25741868]. This variant has been previously reported as disease-causing [PMID 17304052, 25333069]

Illumina Laboratory Services, Illumina
Classification: Likely pathogenic for Deficiency of isobutyryl-CoA dehydrogenase. Last evaluated: 2017-04-27. Review status: criteria provided, single submitter. Criteria: ICSL Variant Classification Criteria 09 May 2019. Collection method: clinical testing. Allele origin: germline.
Comment: The ACAD8 c.1129G>A (p.Gly377Ser) missense variant has been reported in two studies in which it was identified in four individuals diagnosed with isobutyryl-CoA dehydrogenase (IBD) deficiency through newborn screening, including in one in a homozygous state, in two in a compound heterozygous state, and in a heterozygous state in one individual with a mild phenotype (Oglesbee et al. 2007; Scolamiero et al. 2015). Oglesbee et al. (2007) used cultured fibroblasts from the IBD-deficient newborns to confirm biochemically the diagnosis of ICD deficiency. Control data are unavailable for this variant, which is reported at a frequency of 0.00012 in the European (non-Finnish) population of the Exome Aggregation Consortium. Based on the evidence, the p.Gly377Ser variant is classified as likely pathogenic for isobutyryl-CoA dehydrogenase deficiency. This variant was observed by ICSL as part of a predisposition screen in an ostensibly healthy population.

Eurofins Ntd Llc (ga)
Classification: Pathogenic. Last evaluated: 2016-08-18. Review status: criteria provided, single submitter. Criteria: EGL Classification Definitions. Collection method: clinical testing. Allele origin: germline. Observed: 5 variant alleles, 3 heterozygotes, 2 homozygotes.

GeneDx
Classification: Pathogenic. Last evaluated: 2015-06-09. Review status: criteria provided, single submitter. Criteria: GeneDx Variant Classification (06012015). Collection method: clinical testing. Allele origin: germline. Affected: yes.
Comment: The G377S missense change in the ACAD8 gene has been reported previously in association with isobutyryl-CoA dehydrogenase (IBD) deficiency as G355S, using numbering based on the processed protein (Oglesbee et al., 2007). It occurs in a very well-conserved position of the IBD protein and in silico analysis predicts this change to be damaging to the IBD protein. Therefore, we interpret G377S as a pathogenic variant.

OMIM
Classification: Pathogenic for ISOBUTYRYL-CoA DEHYDROGENASE DEFICIENCY. Last evaluated: 2007-02-01. Review status: no assertion criteria provided. Collection method: literature only. Allele origin: germline. Not counted in ClinVar's aggregate classification.

Literature cited by the submitters: PubMed 17304052 (cited by 4 submitters); PubMed 25689098 (cited by Labcorp Genetics (formerly Invitae), Labcorp and Illumina Laboratory Services, Illumina); PubMed 25333069 (cited by Baylor Genetics).